The following is an entry in ClinVar:

NM_198965.2(PTHLH):c.82G>T (p.Glu28Ter)

Gene: PTHLH (parathyroid hormone like hormone; minus strand). Cytogenetic location: 12p11.22.
Variant type: single nucleotide variant.
Coding change: c.82G>T on transcript NM_198965.2 (MANE Select); coding-DNA position 82, G replaced by T.
Protein change: p.Glu28Ter; replaces glutamic acid 28 with a stop codon.
Molecular consequence: nonsense.
Genome position (GRCh38, 1-based): chr12:27,969,413, C>A on the plus strand (G>T on the coding strand, the complement: PTHLH is on the minus strand). VCF-style: chr12-27969413-C-A. GRCh37 (hg19) VCF-style: chr12-28122346-C-A.
Other names: c.82G>T, p.Glu28Ter (NM_002820.3, NM_198964.2, NM_198966.2); short protein forms E28*.
Identifiers: ClinVar variation 4853843 (VCV004853843.1).
Genomic context (GRCh38, chr12:27,969,413, plus strand): 5'-GCCTCCCCAACCCGGCGCCCTGGGGAGGATGGGGCACTTACAGGCGGCGGCTGAGACCCT[C>A]CACCGAGCGCCCGCAGGAGGGCACCGCGTAGCTCAGCAGGAACACCGCGACGCTCCACTG-3'

ClinVar aggregate classification (germline): Pathogenic (1 of 4 stars; one submission).

Conditions:
Brachydactyly type E2 (BDE2). Identifiers: Orphanet 93387, MedGen C3150644, MONDO:0013244, OMIM 613382.

Submission:

Key Laboratory of Child Development and Genetics, Jiangxi Provincial Children's Hospital
Classification: Pathogenic for Brachydactyly type E2. Last evaluated: 2026-06-10. Review status: criteria provided, single submitter. Criteria: ACMG Guidelines, 2015. Collection method: clinical testing. Allele origin: maternal, unknown. Inheritance: Autosomal dominant inheritance. Affected: yes. Observed: 2 variant alleles, 2 heterozygotes. Clinical features observed: Short stature (HP:0004322), Short metacarpal (HP:0010049).
Comment: Trio whole-exome sequencing identified a novel heterozygous nonsense variant in PTHLH, NM_198965.2.82G>T, p.(Glu28Ter), corresponding to chr12:27969413C>A in GRCh38. This variant is located in exon 4 of PTHLH. This segregation pattern supports autosomal dominant inheritance. The variant was classified as pathogenic according to the ACMG/AMP guidelines based on PVS1, PM2_Supporting, and PP4. PVS1 was applied because PTHLH is an established haploinsufficient gene, and loss of function is a known disease mechanism for PTHLH-associated brachydactyly type E. PM2_Supporting was applied because the variant is absent from gnomAD v4.0. PP4 was applied because the patient’s phenotype, including brachydactyly type E, short stature, characteristic radiographic findings, and normal biochemical evaluation, is highly specific for PTHLH-associated disease. Taken together, the predicted loss-of-function effect, absence from population databases, phenotype specificity, and segregation with disease in the family support a pathogenic classification.

Literature cited by the submitters: PubMed 20170896; PubMed 42539507.